The following is an entry in ClinVar:

NM_020975.6(RET):c.2543T>A (p.Met848Lys)

Gene: RET (ret proto-oncogene; plus strand). Cytogenetic location: 10q11.21.
Variant type: single nucleotide variant.
Coding change: c.2543T>A on transcript NM_020975.6 (MANE Select); coding-DNA position 2543, T replaced by A.
Protein change: p.Met848Lys; replaces methionine 848 with lysine.
Molecular consequence: missense variant.
Genome position (GRCh38, 1-based): chr10:43,119,681, T>A. VCF-style: chr10-43119681-T-A. GRCh37 (hg19) VCF-style: chr10-43615129-T-A.
Other names: c.2543T>A, p.Met848Lys (NM_000323.2, NM_001406743.1, NM_001406744.1 and 4 more transcripts); c.1781T>A, p.Met594Lys (NM_001355216.2); c.2414T>A, p.Met805Lys (NM_001406761.1, NM_001406762.1, NM_001406764.1); c.2408T>A, p.Met803Lys (NM_001406763.1, NM_001406765.1); c.2255T>A, p.Met752Lys (NM_001406766.1, NM_001406767.1, NM_001406770.1); c.2279T>A, p.Met760Lys (NM_001406768.1); c.2147T>A, p.Met716Lys (NM_001406769.1, NM_001406772.1); c.2105T>A, p.Met702Lys (NM_001406771.1, NM_001406773.1); and 10 more; short protein forms M848K, M594K, M506K, M518K, M702K, M803K, M365K, M413K.
Identifiers: ClinVar variation 41841 (VCV000041841.20), dbSNP rs201101792, ClinGen allele CA008905.

ClinVar aggregate classification (germline): Uncertain significance. Review status: criteria provided, multiple submitters, no conflicts (2 of 4 stars). 10 submissions from 10 submitters: Uncertain significance (8). 2 of the submissions do not count toward it. Last evaluated 2025-10-30.

Conditions:
Familial medullary thyroid carcinoma (MTC). Also called: Thyroid cancer, familial medullary; MTC, familial; Familial Medullary Thyroid Carcinoma (FMTC). Identifiers: Orphanet 653, Orphanet 99361, MedGen C1833921, MONDO:0007958, OMIM 155240.
Hirschsprung disease, susceptibility to, 1 (HSCR1). Also called: RET-Related Hirschsprung Disease. Identifiers: Orphanet 388, MedGen C3888239, MONDO:0007723, OMIM 142623.
Multiple endocrine neoplasia type 2B. Also called: MULTIPLE ENDOCRINE NEOPLASIA, TYPE IIB; Multiple endocrine neoplasia, type 3; MEN 2B; Multiple Endocrine Neoplasia Type 2B (MEN2B); MUCOSAL NEUROMA SYNDROME; MEN IIB. Identifiers: Orphanet 247709, Orphanet 653, MedGen C0025269, MeSH D018814, MONDO:0008082, OMIM 162300.
Multiple endocrine neoplasia type 2A. Also called: Multiple Endocrine Neoplasia Type 2A (MEN2A); MULTIPLE ENDOCRINE NEOPLASIA, TYPE IIA; PTC SYNDROME; SIPPLE SYNDROME; MEN 2A; MEN-2A syndrome. Identifiers: Orphanet 247698, Orphanet 653, MedGen C0025268, MeSH D018813, MONDO:0008234, OMIM 171400.
Pheochromocytoma. Also called: MAX-Related Hereditary Paraganglioma-Pheochromocytoma Syndrome. Identifiers: Orphanet 29072, MedGen C0031511, MONDO:0008233, OMIM 171300, HP:0002666.
Hereditary cancer-predisposing syndrome. Also called: Neoplastic Syndromes, Hereditary; Hereditary neoplastic syndrome; Hereditary Cancer Syndrome; Tumor predisposition. Identifiers: Orphanet 140162, MedGen C0027672, MeSH D009386, MONDO:0015356.
Multiple endocrine neoplasia, type 2 (MEN2). Identifiers: Orphanet 653, MedGen C4048306, MONDO:0019003. Disease mechanism: gain of function.

gnomAD v4.1: 8 of 1,613,392 alleles (0.0005%); no homozygotes.

Submissions (10):

Ambry Genetics
Classification: Uncertain significance for Hereditary cancer-predisposing syndrome. Last evaluated: 2025-10-30. Review status: criteria provided, single submitter. Criteria: Ambry Variant Classification Scheme 2023. Collection method: clinical testing. Allele origin: germline.
Comment: The p.M848K variant (also known as c.2543T>A), located in coding exon 14 of the RET gene, results from a T to A substitution at nucleotide position 2543. The methionine at codon 848 is replaced by lysine, an amino acid with similar properties. This amino acid position is well conserved in available vertebrate species. In addition, this alteration is predicted to be deleterious by in silico analysis. Based on the available evidence, the clinical significance of this variant remains unclear.

Labcorp Genetics (formerly Invitae), Labcorp
Classification: Uncertain significance for Multiple endocrine neoplasia, type 2. Last evaluated: 2025-10-26. Review status: criteria provided, single submitter. Criteria: Invitae Variant Classification Sherloc (09022015). Collection method: clinical testing. Allele origin: germline.
Comment: This sequence change replaces methionine, which is neutral and non-polar, with lysine, which is basic and polar, at codon 848 of the RET protein (p.Met848Lys). This variant is present in population databases (rs201101792, gnomAD 0.04%). This variant has not been reported in the literature in individuals affected with RET-related conditions. ClinVar contains an entry for this variant (Variation ID: 41841). An algorithm developed to predict the effect of missense changes on protein structure and function (PolyPhen-2) suggests that this variant is likely to be disruptive. In summary, the available evidence is currently insufficient to determine the role of this variant in disease. Therefore, it has been classified as a Variant of Uncertain Significance.

Color Diagnostics, LLC DBA Color Health
Classification: Uncertain significance for Multiple endocrine neoplasia, type 2. Last evaluated: 2025-08-20. Review status: criteria provided, single submitter. Criteria: ACMG Guidelines, 2015. Collection method: clinical testing. Allele origin: germline.
Comment: This missense variant replaces methionine with lysine at codon 848 of the RET protein. Computational prediction is inconclusive regarding the impact of this variant on protein structure and function. To our knowledge, functional studies have not been reported for this variant. This variant has not been reported in individuals affected with RET-related disorders in the literature. This variant has been identified in 4/250856 chromosomes in the general population by the Genome Aggregation Database (gnomAD). The available evidence is insufficient to determine the role of this variant in disease conclusively. Therefore, this variant is classified as a Variant of Uncertain Significance.

GeneDx
Classification: Uncertain significance. Last evaluated: 2024-07-12. Review status: criteria provided, single submitter. Criteria: GeneDx Variant Classification Process June 2021. Collection method: clinical testing. Allele origin: germline. Affected: yes.
Comment: Not observed at significant frequency in large population cohorts (gnomAD); In silico analysis supports that this missense variant has a deleterious effect on protein structure/function; This variant is associated with the following publications: (PMID: 14633923, 36845387, 22703879)

Blueprint Genetics
Classification: Uncertain significance. Last evaluated: 2024-06-06. Review status: criteria provided, single submitter. Criteria: ACMG Guidelines, 2015. Collection method: clinical testing. Allele origin: germline.

Fulgent Genetics
Classification: Uncertain significance for Hirschsprung disease, susceptibility to, 1; Familial medullary thyroid carcinoma; Multiple endocrine neoplasia type 2B; Pheochromocytoma; Multiple endocrine neoplasia type 2A. Last evaluated: 2024-04-11. Review status: criteria provided, single submitter. Criteria: ACMG Guidelines, 2015. Collection method: clinical testing. Allele origin: germline.

All of Us Research Program, National Institutes of Health
Classification: Uncertain significance for Multiple endocrine neoplasia, type 2. Last evaluated: 2023-10-06. Review status: criteria provided, single submitter. Criteria: ACMG Guidelines, 2015. Collection method: clinical testing. Allele origin: germline. Inheritance: Autosomal dominant inheritance. Observed: 2 variant alleles, 2 heterozygotes.
Comment: This missense variant replaces methionine with lysine at codon 848 of the RET protein. Computational prediction suggests that this variant may have deleterious impact on protein structure and function (internally defined REVEL score threshold >= 0.7, PMID: 27666373). To our knowledge, functional studies have not been reported for this variant. This variant has not been reported in individuals affected with RET-related disorders in the literature. This variant has been identified in 4/250856 chromosomes in the general population by the Genome Aggregation Database (gnomAD). The available evidence is insufficient to determine the role of this variant in disease conclusively. Therefore, this variant is classified as a Variant of Uncertain Significance.

This study involves interpretation of variants in research participants for the purpose of population health screening. Participant phenotype was not available at the time of variant classification. Additional details can be found in publication PMID: 35346344, PMCID: PMC8962531

Myriad Genetics, Inc.
Classification: Uncertain significance for Multiple endocrine neoplasia type 2A. Last evaluated: 2023-04-18. Review status: criteria provided, single submitter. Criteria: Myriad Autosomal Dominant, Autosomal Recessive and X-Linked Classification Criteria (2023). Collection method: clinical testing. Allele origin: unknown.
Comment: This variant is classified as a variant of uncertain significance as there is insufficient evidence to determine its impact on protein function and/or cancer risk.

Counsyl
Classification: Uncertain significance for Multiple endocrine neoplasia type 2A. Last evaluated: 2018-03-30. Review status: no assertion criteria provided. Collection method: clinical testing. Allele origin: unknown. Not counted in ClinVar's aggregate classification.

Biesecker Lab/Clinical Genomics Section, National Institutes of Health
Classification: Uncertain significance. Last evaluated: 2012-07-13. Review status: no assertion criteria provided. Collection method: research. Allele origin: germline. Affected: no. Observed: 1 variant allele. Study: ClinSeq. Not counted in ClinVar's aggregate classification.
ClinVar note: Converted during submission from variant of unknown significance to Uncertain significance.